The following is an entry in ClinVar:

ClinVar aggregate classification (germline): Uncertain significance (1 of 4 stars; one submission).

Conditions:
Parkinsonism-dystonia, infantile. Identifiers: Orphanet 238455, MedGen C2751067, MONDO:0013150.

Submission:

Labcorp Genetics (formerly Invitae), Labcorp
Classification: Uncertain significance for Parkinsonism-dystonia, infantile. Last evaluated: 2022-04-12. Review status: criteria provided, single submitter. Criteria: Invitae Variant Classification Sherloc (09022015). Collection method: clinical testing. Allele origin: germline.
Comment: This sequence change replaces alanine, which is neutral and non-polar, with glycine, which is neutral and non-polar, at codon 559 of the SLC6A3 protein (p.Ala559Gly). This variant is not present in population databases (gnomAD no frequency). This variant has not been reported in the literature in individuals affected with SLC6A3-related conditions. Algorithms developed to predict the effect of missense changes on protein structure and function are either unavailable or do not agree on the potential impact of this missense change (SIFT: "Deleterious"; PolyPhen-2: "Benign"; Align-GVGD: "Class C0"). In summary, the available evidence is currently insufficient to determine the role of this variant in disease. Therefore, it has been classified as a Variant of Uncertain Significance.

NM_001044.5(SLC6A3):c.1676C>G (p.Ala559Gly)

Gene: SLC6A3 (solute carrier family 6 member 3). Cytogenetic location: 5p15.33.
Variant type: single nucleotide variant.
Coding change: c.1676C>G on transcript NM_001044.5 (MANE Select); coding-DNA position 1676, C replaced by G.
Protein change: p.Ala559Gly; replaces alanine 559 with glycine.
Molecular consequence: missense variant.
Genome position (GRCh38, 1-based): chr5:1,403,013, G>C on the plus strand (C>G on the coding strand, the complement: SLC6A3 is on the minus strand). VCF-style: chr5-1403013-G-C. GRCh37 (hg19) VCF-style: chr5-1403128-G-C.
Other names: short protein forms A559G.
Identifiers: ClinVar variation 1906781 (VCV001906781.5), dbSNP rs28364997, ClinGen allele CA359073975.